The following is an entry in ClinVar:

ClinVar aggregate classification (germline): Conflicting classifications of pathogenicity. Review status: criteria provided, conflicting classifications (1 of 4 stars). 9 submissions from 9 submitters: Uncertain significance (3); Benign (2); Likely benign (4). Last evaluated 2026-10-19.

Conditions:
SLC34A3-related disorder. Also called: SLC34A3-related condition.
Autosomal recessive hypophosphatemic bone disease (HHRH). Also called: Hypophosphatemic rickets with hypercalciuria; HYPERCALCIURIC RICKETS. Identifiers: Orphanet 157215, MedGen C1853271, MONDO:0009431, OMIM 241530.

Allele frequency attached by ClinVar (database versions not stated): 1000 Genomes Project 30x 0.00047; 1000 Genomes Project 0.00060; ESP Exome Variant Server 0.00118; TOPMed 0.00138; gnomAD 0.00211 and 0.00216; gnomAD exomes 0.00245; ExAC 0.00375.
gnomAD v4.1: 3,008 of 1,596,330 alleles (0.19%); highest among the groups gnomAD compares: Admixed American, 0.3%; 8 homozygotes.

Submissions (9):

Rare Kidney Stone Consortium and the Mayo Clinic Hyperoxaluria Center, Mayo Clinic
Classification: Uncertain significance for Autosomal recessive hypophosphatemic bone disease. Last evaluated: 2026-10-19. Review status: criteria provided, single submitter. Criteria: ACMG Guidelines, 2015. Collection method: research. Allele origin: germline. Affected: yes. Observed: 2 variant alleles.
Comment: ACMG: PM1, PP4, BP6, BS1

1 x monoallelic case (complex allele w/c.1454G>A), 1 x complex allele w/c.1454G>A

PreventionGenetics, part of Exact Sciences
Classification: Uncertain significance for SLC34A3-related condition. Last evaluated: 2026-08-26. Review status: criteria provided, single submitter. Criteria: ACMG Guidelines, 2015. Collection method: clinical testing. Allele origin: germline.
Comment: The SLC34A3 c.1585A>T variant is predicted to result in the amino acid substitution p.Ile529Phe. This variant has been reported, in cis or presumed cis with a second SLC34A3 variant (c.1454G>A) in an individual with hypophosphataemic rickets with hypercalciuria and in at least two individuals with kidney stones (Halbritter et al. 2015. PubMed ID: 25296721; Cogal et al. 2021. PubMed ID: 34805638; Brazier et al. 2023. PubMed ID: 36596813). In a phosphate uptake experiment, phosphate accumulation was similar to wildtype (Brazier et al. 2023. PubMed ID: 36596813). This variant is reported in 0.71% of alleles in individuals of European (Finnish) descent in gnomAD and has conflicting classifications listed in ClinVar ranging from benign to likely pathogenic (Variation ID: 194278). At this time, the clinical significance of this variant is uncertain due to the absence of conclusive functional and genetic evidence.

Labcorp Genetics (formerly Invitae), Labcorp
Classification: Likely benign. Last evaluated: 2026-01-19. Review status: criteria provided, single submitter. Criteria: Invitae Variant Classification Sherloc (09022015). Collection method: clinical testing. Allele origin: germline.

Mayo Clinic Laboratories, Mayo Clinic
Classification: Uncertain significance. Last evaluated: 2025-01-24. Review status: criteria provided, single submitter. Criteria: ACMG Guidelines, 2015. Collection method: clinical testing. Allele origin: germline. Observed: 3 variant alleles.

Blueprint Genetics
Classification: Likely benign. Last evaluated: 2024-11-13. Review status: criteria provided, single submitter. Criteria: ACMG Guidelines, 2015. Collection method: clinical testing. Allele origin: germline.

CeGaT Center for Human Genetics Tuebingen
Classification: Likely benign. Last evaluated: 2023-09-01. Review status: criteria provided, single submitter. Criteria: CeGaT Center For Human Genetics Tuebingen Variant Classification Criteria Version 2. Collection method: clinical testing. Allele origin: germline. Affected: yes. Observed: 6 variant alleles.
Comment: SLC34A3: BS2

ARUP Laboratories, Molecular Genetics and Genomics, ARUP Laboratories
Classification: Likely benign for Autosomal recessive hypophosphatemic bone disease. Last evaluated: 2022-03-17. Review status: criteria provided, single submitter. Criteria: ARUP Molecular Germline Variant Investigation Process 2021. Collection method: clinical testing. Allele origin: germline.

Mendelics
Classification: Benign for Autosomal recessive hypophosphatemic bone disease. Last evaluated: 2019-05-28. Review status: criteria provided, single submitter. Criteria: Mendelics Assertion Criteria 2017. Collection method: clinical testing. Allele origin: unknown.

Eurofins Ntd Llc (ga)
Classification: Benign. Last evaluated: 2015-04-22. Review status: criteria provided, single submitter. Criteria: EGL Classification Definitions 2015. Collection method: clinical testing. Allele origin: germline. Observed: 3 variant alleles, 3 heterozygotes.

Literature cited by the submitters: PubMed 25296721 (cited by Mayo Clinic Laboratories, Mayo Clinic); PubMed 34805638 (cited by Mayo Clinic Laboratories, Mayo Clinic); PubMed 36596813 (cited by Mayo Clinic Laboratories, Mayo Clinic).

NM_001177316.2(SLC34A3):c.1585A>T (p.Ile529Phe)

Gene: SLC34A3 (solute carrier family 34 member 3; plus strand). Cytogenetic location: 9q34.3.
Variant type: single nucleotide variant.
Coding change: c.1585A>T on transcript NM_001177316.2 (MANE Select); coding-DNA position 1585, A replaced by T.
Protein change: p.Ile529Phe; replaces isoleucine 529 with phenylalanine.
Molecular consequence: missense variant.
Genome position (GRCh38, 1-based): chr9:137,236,201, A>T. VCF-style: chr9-137236201-A-T. GRCh37 (hg19) VCF-style: chr9-140130653-A-T.
Other names: p.Ile529Phe; c.1585A>T, p.Ile529Phe (NM_001177317.2, NM_080877.3); short protein forms I529F.
Identifiers: ClinVar variation 194278 (VCV000194278.48), dbSNP rs140639805, ClinGen allele CA201087.